The following is an entry in ClinVar:

ClinVar aggregate classification (germline): Uncertain significance (1 of 4 stars; one submission).

Conditions:
Autosomal dominant nocturnal frontal lobe epilepsy 5. Also called: Epilepsy, nocturnal frontal lobe, 5; CILIARY DYSKINESIA, PRIMARY, 28, WITHOUT SITUS INVERSUS; CILIARY DYSKINESIA, PRIMARY, 28, WITH SITUS INVERSUS; KCNT1-Related Epilepsy. Identifiers: Orphanet 98784, MedGen C3554306, MONDO:0014002, OMIM 615005.
Developmental and epileptic encephalopathy, 14 (DEE14). Also called: Early infantile epileptic encephalopathy 14. Identifiers: Orphanet 293181, MedGen C3554195, MONDO:0013989, OMIM 614959.

Submission:

Labcorp Genetics (formerly Invitae), Labcorp
Classification: Uncertain significance for Autosomal dominant nocturnal frontal lobe epilepsy 5; Developmental and epileptic encephalopathy, 14. Last evaluated: 2023-12-27. Review status: criteria provided, single submitter. Criteria: Invitae Variant Classification Sherloc (09022015). Collection method: clinical testing. Allele origin: germline.
Comment: This sequence change replaces serine, which is neutral and polar, with threonine, which is neutral and polar, at codon 1201 of the KCNT1 protein (p.Ser1201Thr). This variant is not present in population databases (gnomAD no frequency). This variant has not been reported in the literature in individuals affected with KCNT1-related conditions. Advanced modeling of protein sequence and biophysical properties (such as structural, functional, and spatial information, amino acid conservation, physicochemical variation, residue mobility, and thermodynamic stability) performed at Invitae indicates that this missense variant is not expected to disrupt KCNT1 protein function with a negative predictive value of 80%. In summary, the available evidence is currently insufficient to determine the role of this variant in disease. Therefore, it has been classified as a Variant of Uncertain Significance.

NM_020822.3(KCNT1):c.3601T>A (p.Ser1201Thr)

Gene: KCNT1 (potassium sodium-activated channel subfamily T member 1; plus strand). Cytogenetic location: 9q34.3.
Variant type: single nucleotide variant.
Coding change: c.3601T>A on transcript NM_020822.3 (MANE Select); coding-DNA position 3601, T replaced by A.
Protein change: p.Ser1201Thr; replaces serine 1201 with threonine.
Molecular consequence: missense variant.
Genome position (GRCh38, 1-based): chr9:135,792,054, T>A. VCF-style: chr9-135792054-T-A. GRCh37 (hg19) VCF-style: chr9-138683900-T-A.
Other names: c.3529T>A, p.Ser1177Thr (NM_001272003.2); short protein forms S1177T, S1201T.
Identifiers: ClinVar variation 2938810 (VCV002938810.3), dbSNP rs1834578232, ClinGen allele CA375494222.